The following is an entry in ClinVar:

NM_000038.6(APC):c.3976G>C (p.Val1326Leu)

Gene: APC (APC regulator of Wnt signaling pathway; plus strand). Cytogenetic location: 5q22.2.
Variant type: single nucleotide variant.
Coding change: c.3976G>C on transcript NM_000038.6 (MANE Select); coding-DNA position 3976, G replaced by C.
Protein change: p.Val1326Leu; replaces valine 1326 with leucine.
Molecular consequence: missense variant.
Genome position (GRCh38, 1-based): chr5:112,839,570, G>C. VCF-style: chr5-112839570-G-C. GRCh37 (hg19) VCF-style: chr5-112175267-G-C.
Other names: c.3976G>C, p.Val1326Leu (NM_001127510.3, NM_001354895.2); c.3922G>C, p.Val1308Leu (NM_001127511.3); c.4030G>C, p.Val1344Leu (NM_001354896.2); c.4006G>C, p.Val1336Leu (NM_001354897.2); c.3901G>C, p.Val1301Leu (NM_001354898.2); c.3892G>C, p.Val1298Leu (NM_001354899.2); c.3853G>C, p.Val1285Leu (NM_001354900.2); c.3799G>C, p.Val1267Leu (NM_001354901.2); and 5 more; short protein forms V1235L, V1298L, V1301L, V1308L, V1326L, V1336L, V1344L, V1267L.
Identifiers: ClinVar variation 824453 (VCV000824453.7), dbSNP rs1580642399, ClinGen allele CA16030050.

ClinVar aggregate classification (germline): Uncertain significance. Review status: criteria provided, multiple submitters, no conflicts (2 of 4 stars). 2 submissions from 2 submitters: Uncertain significance (2). Last evaluated 2024-11-03.

Conditions:
Hereditary cancer-predisposing syndrome. Also called: Neoplastic Syndromes, Hereditary; Tumor predisposition; Hereditary neoplastic syndrome; Hereditary Cancer Syndrome. Identifiers: Orphanet 140162, MedGen C0027672, MeSH D009386, MONDO:0015356.
Familial adenomatous polyposis 1 (FAP1). Also called: POLYPOSIS, ADENOMATOUS INTESTINAL; FAMILIAL ADENOMATOUS POLYPOSIS 1, ATTENUATED. Identifiers: MedGen C2713442, MONDO:0021056, OMIM 175100. Disease mechanism: loss of function.

Submissions (2):

Labcorp Genetics (formerly Invitae), Labcorp
Classification: Uncertain significance for Familial adenomatous polyposis 1. Last evaluated: 2024-11-03. Review status: criteria provided, single submitter. Criteria: Invitae Variant Classification Sherloc (09022015). Collection method: clinical testing. Allele origin: germline.
Comment: This sequence change replaces valine, which is neutral and non-polar, with leucine, which is neutral and non-polar, at codon 1326 of the APC protein (p.Val1326Leu). This variant is not present in population databases (gnomAD no frequency). This variant has not been reported in the literature in individuals affected with APC-related conditions. ClinVar contains an entry for this variant (Variation ID: 824453). Invitae Evidence Modeling of protein sequence and biophysical properties (such as structural, functional, and spatial information, amino acid conservation, physicochemical variation, residue mobility, and thermodynamic stability) indicates that this missense variant is not expected to disrupt APC protein function with a negative predictive value of 95%. In summary, the available evidence is currently insufficient to determine the role of this variant in disease. Therefore, it has been classified as a Variant of Uncertain Significance.

Ambry Genetics
Classification: Uncertain significance for Hereditary cancer-predisposing syndrome. Last evaluated: 2024-06-07. Review status: criteria provided, single submitter. Criteria: Ambry Variant Classification Scheme 2023. Collection method: clinical testing. Allele origin: germline.
Comment: The p.V1326L variant (also known as c.3976G>C), located in coding exon 15 of the APC gene, results from a G to C substitution at nucleotide position 3976. The valine at codon 1326 is replaced by leucine, an amino acid with highly similar properties. This amino acid position is poorly conserved in available vertebrate species. In addition, in silico predictors for this gene do not accurately predict pathogenicity. Missense alterations in APC are not a common cause of disease (Spier I et al. Genet Med. 2024 Feb;26(2):100992). Since supporting evidence is limited at this time, the clinical significance of this alteration remains unclear.